The following is an entry in ClinVar:

NM_001015880.2(PAPSS2):c.267C>T (p.Leu89=)

Gene: PAPSS2 (3'-phosphoadenosine 5'-phosphosulfate synthase 2; plus strand). Cytogenetic location: 10q23.31.
Variant type: single nucleotide variant.
Coding change: c.267C>T on transcript NM_001015880.2 (MANE Select); coding-DNA position 267, C replaced by T.
Protein change: p.Leu89=; no amino-acid change (leucine 89 retained).
Molecular consequence: synonymous variant.
Genome position (GRCh38, 1-based): chr10:87,713,196, C>T. VCF-style: chr10-87713196-C-T. GRCh37 (hg19) VCF-style: chr10-89472953-C-T.
Other names: c.267C>T, p.Leu89= (NM_004670.4); c.267C>T (NM_004670.3).
Identifiers: ClinVar variation 779934 (VCV000779934.13), dbSNP rs144784084, ClinGen allele CA5589388.
Genomic context (GRCh38, chr10:87,713,196, plus strand): 5'-TGCCATCCCTTGTTACTCCCTGGATGGGGACAATGTCCGTCATGGCCTTAACAGAAATCT[C>T]GGATTCTCTCCTGGGGACAGAGAGGAAAATATCCGCCGGATTGCTGAGGTGGCTAAGCTG-3'
Protein context (NP_001015880.1, residues 79-99): DNVRHGLNRN[Leu89=]GFSPGDREEN

ClinVar aggregate classification (germline): Benign/Likely benign. Review status: criteria provided, multiple submitters, no conflicts (2 of 4 stars). 3 submissions from 3 submitters: Benign (1); Likely benign (1). 1 of the submissions does not count toward it. Last evaluated 2025-03-17.

Conditions:
Spondyloepimetaphyseal dysplasia, PAPSS2 type. Also called: SEMD, PAKISTANI TYPE; BRACHYOLMIA TYPE 4 WITH MILD EPIPHYSEAL AND METAPHYSEAL CHANGES; SPONDYLODYSPLASIA AND PREMATURE PUBARCHE. Identifiers: Orphanet 93282, MedGen C2748516, MONDO:0019666, OMIM 612847.
PAPSS2-related disorder. Also called: PAPSS2-related condition.

Allele frequency attached by ClinVar (database versions not stated): gnomAD 0.00066 and 0.00087; TOPMed 0.00139; ExAC 0.00146; gnomAD exomes 0.00172; 1000 Genomes Project 0.00479; 1000 Genomes Project 30x 0.00515.
gnomAD v4.1: 1,008 of 1,610,840 alleles (0.063%); highest among the groups gnomAD compares: East Asian, 1.8%; 15 homozygotes.

Submissions (3):

Labcorp Genetics (formerly Invitae), Labcorp
Classification: Benign for Spondyloepimetaphyseal dysplasia, PAPSS2 type. Last evaluated: 2025-03-17. Review status: criteria provided, single submitter. Criteria: Invitae Variant Classification Sherloc (09022015). Collection method: clinical testing. Allele origin: germline.

Fulgent Genetics
Classification: Likely benign for Spondyloepimetaphyseal dysplasia, PAPSS2 type. Last evaluated: 2021-12-28. Review status: criteria provided, single submitter. Criteria: ACMG Guidelines, 2015. Collection method: clinical testing. Allele origin: unknown.

PreventionGenetics, part of Exact Sciences
Classification: Benign for PAPSS2-related condition. Last evaluated: 2024-08-28. Review status: no assertion criteria provided. Collection method: clinical testing. Allele origin: germline. Not counted in ClinVar's aggregate classification.
Comment: This variant is classified as benign based on ACMG/AMP sequence variant interpretation guidelines (Richards et al. 2015 PMID: 25741868, with internal and published modifications).